The following is an entry in ClinVar:

NM_001330288.2(SMARCC2):c.2536G>A (p.Gly846Arg)

Gene: SMARCC2 (SWI/SNF related BAF chromatin remodeling complex subunit C2; minus strand). Cytogenetic location: 12q13.2.
Variant type: single nucleotide variant.
Coding change: c.2536G>A on transcript NM_001330288.2 (MANE Select); coding-DNA position 2536, G replaced by A.
Protein change: p.Gly846Arg; replaces glycine 846 with arginine.
Molecular consequence: missense variant.
Genome position (GRCh38, 1-based): chr12:56,169,788, C>T on the plus strand (G>A on the coding strand, the complement: SMARCC2 is on the minus strand). VCF-style: chr12-56169788-C-T. GRCh37 (hg19) VCF-style: chr12-56563572-C-T.
Other names: c.2536G>A, p.Gly846Arg (NM_001130420.3, NM_139067.4); c.2443G>A, p.Gly815Arg (NM_003075.5); short protein forms G815R, G846R.
Identifiers: ClinVar variation 4071908 (VCV004071908.2).
Genomic context (GRCh38, chr12:56,169,788, plus strand): 5'-AGCTTCACCTCTGTCCTGCACCCCCACCTACCCTTGTGGGAGGCTCACCTATTGGGTCTC[C>T]ATCACTCTTCTCGGACTCCTTCTCACTGTCGCCTTCTTTCCCTTTCTCCTCATCCTTCTT-3'
Protein context (NP_001317217.1, residues 836-856): DSEKESEKSD[Gly846Arg]DPIVDPEKEK

ClinVar aggregate classification (germline): Uncertain significance (1 of 4 stars; one submission).

Submission:

GeneDx
Classification: Uncertain significance. Last evaluated: 2026-02-05. Review status: criteria provided, single submitter. Criteria: GeneDx Variant Classification Process June 2021. Collection method: clinical testing. Allele origin: germline.
Comment: Not observed at significant frequency in large population cohorts (gnomAD); In silico analysis suggests that this missense variant does not alter protein structure/function; Has not been previously published as pathogenic or benign to our knowledge